The following is an entry in ClinVar:

ClinVar aggregate classification (germline): Uncertain significance (1 of 4 stars; one submission).

Submission:

Labcorp Genetics (formerly Invitae), Labcorp
Classification: Uncertain significance. Last evaluated: 2024-02-24. Review status: criteria provided, single submitter. Criteria: Invitae Variant Classification Sherloc (09022015). Collection method: clinical testing. Allele origin: germline.
Comment: This sequence change replaces glutamine, which is neutral and polar, with arginine, which is basic and polar, at codon 179 of the MKL1 protein (p.Gln179Arg). This variant is not present in population databases (gnomAD no frequency). This variant has not been reported in the literature in individuals affected with MKL1-related conditions. ClinVar contains an entry for this variant (Variation ID: 2099765). An algorithm developed to predict the effect of missense changes on protein structure and function (PolyPhen-2) suggests that this variant is likely to be tolerated. In summary, the available evidence is currently insufficient to determine the role of this variant in disease. Therefore, it has been classified as a Variant of Uncertain Significance.

NM_020831.6(MRTFA):c.836A>G (p.Gln279Arg)

Gene: MRTFA (myocardin related transcription factor A; minus strand). Cytogenetic location: 22q13.1.
Variant type: single nucleotide variant.
Coding change: c.836A>G on transcript NM_020831.6 (MANE Select); coding-DNA position 836, A replaced by G.
Protein change: p.Gln279Arg; replaces glutamine 279 with arginine.
Molecular consequence: missense variant. On other transcripts: intron variant (1).
Genome position (GRCh38, 1-based): chr22:40,423,627, T>C on the plus strand (A>G on the coding strand, the complement: MRTFA is on the minus strand). VCF-style: chr22-40423627-T-C. GRCh37 (hg19) VCF-style: chr22-40819631-T-C.
Other names: c.536A>G, p.Gln179Arg (NM_001282660.2); c.836A>G, p.Gln279Arg (NM_001282662.3); c.641A>G, p.Gln214Arg (NM_001318139.2); c.777+579A>G (NM_001282661.3); short protein forms Q179R, Q214R, Q279R.
Identifiers: ClinVar variation 2099765 (VCV002099765.4), dbSNP rs2517832208, ClinGen allele CA411665452.